The following is an entry in ClinVar:

ClinVar aggregate classification (germline): Uncertain significance (1 of 4 stars; one submission).

Conditions:
Malignant hyperthermia, susceptibility to, 5 (MHS5). Also called: CACNA1S-Related Malignant Hyperthermia Susceptibility. Identifiers: Orphanet 423, MedGen C1866077, MONDO:0011163, OMIM 601887.

Submission:

All of Us Research Program, National Institutes of Health
Classification: Uncertain significance for Malignant hyperthermia, susceptibility to, 5. Last evaluated: 2023-02-24. Review status: criteria provided, single submitter. Criteria: ACMG Guidelines, 2015. Collection method: clinical testing. Allele origin: germline. Inheritance: Autosomal dominant inheritance. Observed: 1 variant allele, 1 heterozygote.
Comment: This missense variant replaces isoleucine with methionine at codon 1284 of the CACNA1S protein. Computational prediction is inconclusive regarding the impact of this variant on protein structure and function (internally defined REVEL score threshold 0.5 < inconclusive < 0.7, PMID: 27666373). To our knowledge, functional studies have not been reported for this variant. This variant has not been reported in individuals affected with CACNA1S-related disorders in the literature. This variant has not been identified in the general population by the Genome Aggregation Database (gnomAD). The available evidence is insufficient to determine the role of this variant in disease conclusively. Therefore, this variant is classified as a Variant of Uncertain Significance.

This study involves interpretation of variants in research participants for the purpose of population health screening. Participant phenotype was not available at the time of variant classification. Additional details can be found in publication PMID: 35346344, PMCID: PMC8962531

NM_000069.3(CACNA1S):c.3852C>G (p.Ile1284Met)

Gene: CACNA1S (calcium voltage-gated channel subunit alpha1 S; minus strand). Cytogenetic location: 1q32.1.
Variant type: single nucleotide variant.
Coding change: c.3852C>G on transcript NM_000069.3 (MANE Select); coding-DNA position 3852, C replaced by G.
Protein change: p.Ile1284Met; replaces isoleucine 1284 with methionine.
Molecular consequence: missense variant.
Genome position (GRCh38, 1-based): chr1:201,053,218, G>C on the plus strand (C>G on the coding strand, the complement: CACNA1S is on the minus strand). VCF-style: chr1-201053218-G-C. GRCh37 (hg19) VCF-style: chr1-201022346-G-C.
Other names: short protein forms I1284M.
Identifiers: ClinVar variation 3069506 (VCV003069506.1), dbSNP rs1024486307, ClinGen allele CA344153177.